The following is an entry in ClinVar:

ClinVar aggregate classification (germline): Uncertain significance (1 of 4 stars; one submission).

Allele frequency attached by ClinVar (database versions not stated): gnomAD 0.00001 and 0.00002; gnomAD exomes 0.00002 and 0.00003; TOPMed 0.00003; ExAC 0.00008.
gnomAD v4.1: 34 of 1,612,262 alleles (0.0021%); highest among the groups gnomAD compares: Middle Eastern, 0.016%; no homozygotes.

Submission:

Labcorp Genetics (formerly Invitae), Labcorp
Classification: Uncertain significance. Last evaluated: 2024-12-02. Review status: criteria provided, single submitter. Criteria: Invitae Variant Classification Sherloc (09022015). Collection method: clinical testing. Allele origin: germline.
Comment: This sequence change replaces valine, which is neutral and non-polar, with methionine, which is neutral and non-polar, at codon 1204 of the OBSL1 protein (p.Val1204Met). This variant is present in population databases (rs764979403, gnomAD 0.01%). This variant has not been reported in the literature in individuals affected with OBSL1-related conditions. ClinVar contains an entry for this variant (Variation ID: 1426183). An algorithm developed to predict the effect of missense changes on protein structure and function (PolyPhen-2) suggests that this variant is likely to be disruptive. In summary, the available evidence is currently insufficient to determine the role of this variant in disease. Therefore, it has been classified as a Variant of Uncertain Significance.

NM_015311.3(OBSL1):c.3610G>A (p.Val1204Met)

Gene: OBSL1 (obscurin like cytoskeletal adaptor 1; minus strand). Cytogenetic location: 2q35.
Variant type: single nucleotide variant.
Coding change: c.3610G>A on transcript NM_015311.3 (MANE Select); coding-DNA position 3610, G replaced by A.
Protein change: p.Val1204Met; replaces valine 1204 with methionine.
Molecular consequence: missense variant.
Genome position (GRCh38, 1-based): chr2:219,558,003, C>T on the plus strand (G>A on the coding strand, the complement: OBSL1 is on the minus strand). VCF-style: chr2-219558003-C-T. GRCh37 (hg19) VCF-style: chr2-220422725-C-T.
Other names: c.3610G>A, p.Val1204Met (NM_001173431.2); short protein forms V1204M.
Identifiers: ClinVar variation 1426183 (VCV001426183.5), dbSNP rs764979403, ClinGen allele CA2130800.
Genomic context (GRCh38, chr2:219,558,003, plus strand): 5'-CGGCATGGAGCTCTAGGCCCTCGCCCTCCTGCACGGGCCTCCCATTGTGGCTCCAGACCA[C>T]GGGGGCGCCAGCCCGGGACAGTTCACAGCTCAGCACCACTGGCTCCCCAGGGGCCACACA-3'
Protein context (NP_056126.1, residues 1194-1214): SCELSRAGAP[Val1204Met]VWSHNGRPVQ